The following is an entry in ClinVar:

NM_002907.4(RECQL):c.1015A>G (p.Ile339Val)

Gene: RECQL (RecQ like helicase; minus strand). Cytogenetic location: 12p12.1.
Variant type: single nucleotide variant.
Coding change: c.1015A>G on transcript NM_002907.4 (MANE Select); coding-DNA position 1015, A replaced by G.
Protein change: p.Ile339Val; replaces isoleucine 339 with valine.
Molecular consequence: missense variant.
Genome position (GRCh38, 1-based): chr12:21,475,759, T>C on the plus strand (A>G on the coding strand, the complement: RECQL is on the minus strand). VCF-style: chr12-21475759-T-C. GRCh37 (hg19) VCF-style: chr12-21628693-T-C.
Other names: c.1015A>G, p.Ile339Val (NM_032941.3); short protein forms I339V.
Identifiers: ClinVar variation 1500407 (VCV001500407.8), dbSNP rs1275973889, ClinGen allele CA384121713.
Genomic context (GRCh38, chr12:21,475,759, plus strand): 5'-TTCTATGAACTGTGGTCTTATCTTCTGGCTCCAAATTGGCATGGTAAGCACCTGCATGAA[T>C]TCCCAGATTCTGCAAACTAACCGTAACTTGTTCAGAGTCTTTCTGAGAAAAACAATATAT-3'
Protein context (NP_002898.2, residues 329-349): QVTVSLQNLG[Ile339Val]HAGAYHANLE

ClinVar aggregate classification (germline): Uncertain significance (1 of 4 stars; one submission).

Allele frequency attached by ClinVar (database versions not stated): gnomAD exomes below 0.00001.
gnomAD v4.1: 1 of 1,613,290 alleles (0.000062%); highest among the groups gnomAD compares: East Asian, 0.0022%; no homozygotes.

Submission:

Labcorp Genetics (formerly Invitae), Labcorp
Classification: Uncertain significance. Last evaluated: 2025-07-31. Review status: criteria provided, single submitter. Criteria: Invitae Variant Classification Sherloc (09022015). Collection method: clinical testing. Allele origin: germline.
Comment: This sequence change replaces isoleucine, which is neutral and non-polar, with valine, which is neutral and non-polar, at codon 339 of the RECQL protein (p.Ile339Val). This variant is present in population databases (no rsID available, gnomAD 0.006%). This variant has not been reported in the literature in individuals affected with RECQL-related conditions. ClinVar contains an entry for this variant (Variation ID: 1500407). Invitae Evidence Modeling of protein sequence and biophysical properties (such as structural, functional, and spatial information, amino acid conservation, physicochemical variation, residue mobility, and thermodynamic stability) indicates that this missense variant is not expected to disrupt RECQL protein function with a negative predictive value of 80%. In summary, the available evidence is currently insufficient to determine the role of this variant in disease. Therefore, it has been classified as a Variant of Uncertain Significance.